The following is an entry in ClinVar:

ClinVar aggregate classification (germline): Uncertain significance (1 of 4 stars; one submission).

Conditions:
Hereditary cancer-predisposing syndrome. Also called: Hereditary neoplastic syndrome; Neoplastic Syndromes, Hereditary; Tumor predisposition; Hereditary Cancer Syndrome. Identifiers: Orphanet 140162, MedGen C0027672, MeSH D009386, MONDO:0015356.

Submission:

Ambry Genetics
Classification: Uncertain significance for Hereditary cancer-predisposing syndrome. Last evaluated: 2025-03-05. Review status: criteria provided, single submitter. Criteria: Ambry Variant Classification Scheme 2023. Collection method: clinical testing. Allele origin: germline.
Comment: The p.V238M variant (also known as c.712G>A), located in coding exon 4 of the KIT gene, results from a G to A substitution at nucleotide position 712. The valine at codon 238 is replaced by methionine, an amino acid with highly similar properties. This amino acid position is conserved. In addition, the in silico prediction for this alteration is inconclusive. Based on the available evidence, the clinical significance of this variant remains unclear.

NM_000222.3(KIT):c.712G>A (p.Val238Met)

Gene: KIT (KIT proto-oncogene, receptor tyrosine kinase; plus strand). Cytogenetic location: 4q12.
Variant type: single nucleotide variant.
Coding change: c.712G>A on transcript NM_000222.3 (MANE Select); coding-DNA position 712, G replaced by A.
Protein change: p.Val238Met; replaces valine 238 with methionine.
Molecular consequence: missense variant.
Genome position (GRCh38, 1-based): chr4:54,699,722, G>A. VCF-style: chr4-54699722-G-A. GRCh37 (hg19) VCF-style: chr4-55565888-G-A.
Other names: c.712G>A, p.Val238Met (NM_001093772.2, NM_001385284.1, NM_001385285.1 and 4 more transcripts); short protein forms V238M.
Identifiers: ClinVar variation 3864556 (VCV003864556.1).